The following is an entry in ClinVar:

ClinVar aggregate classification (germline): Pathogenic. Review status: criteria provided, multiple submitters, no conflicts (2 of 4 stars). 4 submissions from 4 submitters: Pathogenic (2). 2 of the submissions do not count toward it. Last evaluated 2024-12-18.

Conditions:
Donnai-Barrow syndrome. Also called: DBS/FOAR SYNDROME; FACIOOCULOACOUSTICORENAL SYNDROME. Identifiers: Orphanet 2143, MedGen C1857277, MONDO:0009104, OMIM 222448.

Allele frequency attached by ClinVar (database versions not stated): TOPMed below 0.00001; gnomAD exomes 0.00001.
gnomAD v4.1: 9 of 1,614,088 alleles (0.00056%); highest among the groups gnomAD compares: Non-Finnish European, 0.00076%; no homozygotes.

Submissions (4):

Genomic Medicine Center of Excellence, King Faisal Specialist Hospital and Research Centre
Classification: Pathogenic for Donnai-Barrow syndrome. Last evaluated: 2024-12-18. Review status: criteria provided, single submitter. Criteria: ACMG Guidelines, 2015. Collection method: clinical testing. Allele origin: germline.

Labcorp Genetics (formerly Invitae), Labcorp
Classification: Pathogenic. Last evaluated: 2024-02-07. Review status: criteria provided, single submitter. Criteria: Invitae Variant Classification Sherloc (09022015). Collection method: clinical testing. Allele origin: germline.
Comment: This sequence change affects a donor splice site in intron 44 of the LRP2 gene. It is expected to disrupt RNA splicing. Variants that disrupt the donor or acceptor splice site typically lead to a loss of protein function (PMID: 16199547), and loss-of-function variants in LRP2 are known to be pathogenic (PMID: 17632512, 25682901). This variant is not present in population databases (gnomAD no frequency). Disruption of this splice site has been observed in individual(s) with Donnai-Barrow syndrome (PMID: 17632512). In at least one individual the data is consistent with being in trans (on the opposite chromosome) from a pathogenic variant. It has also been observed to segregate with disease in related individuals. ClinVar contains an entry for this variant (Variation ID: 9454). Algorithms developed to predict the effect of sequence changes on RNA splicing suggest that this variant may disrupt the consensus splice site. For these reasons, this variant has been classified as Pathogenic.

OMIM
Classification: Pathogenic for DONNAI-BARROW SYNDROME. Last evaluated: 2007-08-01. Review status: no assertion criteria provided. Collection method: literature only. Allele origin: germline. Not counted in ClinVar's aggregate classification.

GeneReviews
No classification provided. Condition: Donnai-Barrow syndrome. Review status: no classification provided. Collection method: literature only. Allele origin: unknown. Not counted in ClinVar's aggregate classification.

Literature cited by the submitters: PubMed 16199547 (cited by Labcorp Genetics (formerly Invitae), Labcorp); PubMed 17632512 (cited by 3 submitters); PubMed 25682901 (cited by Labcorp Genetics (formerly Invitae), Labcorp); PubMed 8266995 (cited by OMIM and GeneReviews); PubMed 20301732 (cited by GeneReviews); NCBI Bookshelf NBK1878 (cited by GeneReviews).

NM_004525.3(LRP2):c.8452+1G>A

Gene: LRP2 (LDL receptor related protein 2; minus strand). Cytogenetic location: 2q31.1.
Variant type: single nucleotide variant.
Coding change: c.8452+1G>A on transcript NM_004525.3 (MANE Select); the canonical splice donor site of the intron after coding-DNA position 8452, G replaced by A.
Molecular consequence: splice donor variant.
Genome position (GRCh38, 1-based): chr2:169,201,627, C>T on the plus strand (G>A on the coding strand, the complement: LRP2 is on the minus strand). VCF-style: chr2-169201627-C-T. GRCh37 (hg19) VCF-style: chr2-170058137-C-T.
Other names: IVS44DS, G-A, +1.
Identifiers: ClinVar variation 9454 (VCV000009454.8), dbSNP rs80338748, ClinGen allele CA340913.
Genomic context (GRCh38, chr2:169,201,627, plus strand): 5'-CATCTCCTGTGATCCAAGACTTCAGACCCAAAATCACAATAAGCACTTAAGATAAACTTA[C>T]GGCAATTTTTCTCATCTGAAGTGTTATTATCATGGCAGTTGTCTACACCATTGCAGATAA-3'